The following is an entry in ClinVar:

ClinVar aggregate classification (germline): Uncertain significance (1 of 4 stars; one submission).

Conditions:
Microcephaly, normal intelligence and immunodeficiency (NBS). Also called: Nijmegen breakage syndrome; Microcephaly with normal intelligence immunodeficiency and lymphoreticular malignancies; Nonsyndromal microcephaly autosomal recessive with normal intelligence; Seemanova syndrome 2; BERLIN BREAKAGE SYNDROME; IMMUNODEFICIENCY, MICROCEPHALY, AND CHROMOSOMAL INSTABILITY. Identifiers: Orphanet 647, MedGen C0398791, MONDO:0009623, OMIM 251260.

Submission:

Labcorp Genetics (formerly Invitae), Labcorp
Classification: Uncertain significance for Microcephaly, normal intelligence and immunodeficiency. Last evaluated: 2023-03-03. Review status: criteria provided, single submitter. Criteria: Invitae Variant Classification Sherloc (09022015). Collection method: clinical testing. Allele origin: germline.
Comment: In summary, the available evidence is currently insufficient to determine the role of this variant in disease. Therefore, it has been classified as a Variant of Uncertain Significance. An algorithm developed to predict the effect of missense changes on protein structure and function (PolyPhen-2) suggests that this variant is likely to be disruptive. This variant has not been reported in the literature in individuals affected with NBN-related conditions. This variant is not present in population databases (gnomAD no frequency). This sequence change replaces aspartic acid, which is acidic and polar, with valine, which is neutral and non-polar, at codon 741 of the NBN protein (p.Asp741Val).

NM_002485.5(NBN):c.2222A>T (p.Asp741Val)

Gene: NBN (nibrin; minus strand). Cytogenetic location: 8q21.3.
Variant type: single nucleotide variant.
Coding change: c.2222A>T on transcript NM_002485.5 (MANE Select); coding-DNA position 2222, A replaced by T.
Protein change: p.Asp741Val; replaces aspartic acid 741 with valine.
Molecular consequence: missense variant.
Genome position (GRCh38, 1-based): chr8:89,937,038, T>A on the plus strand (A>T on the coding strand, the complement: NBN is on the minus strand). VCF-style: chr8-89937038-T-A. GRCh37 (hg19) VCF-style: chr8-90949266-T-A.
Other names: c.1976A>T, p.Asp659Val (NM_001024688.3); short protein forms D659V, D741V.
Identifiers: ClinVar variation 2842361 (VCV002842361.3), dbSNP rs2488169360, ClinGen allele CA371674761.